The following is an entry in ClinVar:

NM_000051.4(ATM):c.4237-9_4237-7del

Gene: ATM (ATM serine/threonine kinase; plus strand). Cytogenetic location: 11q22.3.
Variant type: Deletion.
Coding change: c.4237-9_4237-7del on transcript NM_000051.4 (MANE Select); 9 bases into the intron before coding-DNA position 4237 through 7 bases into the intron before coding-DNA position 4237, 3 bases deleted (ATT; older notation c.4237-9_4237-7delATT).
Molecular consequence: intron variant.
Genome position (GRCh38, 1-based): chr11:108,289,593-108,289,595, ATT deleted; deleting any 3 consecutive bases within chr11:108,289,591-108,289,595 gives the same sequence; the c. name uses the placement nearest the transcript's 3' end. VCF-style (leftmost placement, unchanged base first): chr11-108289590-TTTA-T. GRCh37 (hg19) VCF-style: chr11-108160317-TTTA-T.
Other names: c.4237-9_4237-7delATT (NM_000051.3); c.4237-9_4237-7del (NM_001351834.2).
Identifiers: ClinVar variation 516552 (VCV000516552.9), dbSNP rs1555097355, ClinGen allele CA658795363.
Genomic context (GRCh38, chr11:108,289,590, plus strand): 5'-AAATATAAAGTGTATTTATTGTAGCCGAGTATCTAATTAAACAAGTTTTTACTAAATCTG[TTTA>T]TTTTCTAGGATTCCTATCAGAAAATTCTTCTTGCCATATGTGAGCAAGCAGCTGAAACAA-3'

ClinVar aggregate classification (germline): Likely benign. Review status: criteria provided, multiple submitters, no conflicts (2 of 4 stars). 2 submissions from 2 submitters: Likely benign (2). Last evaluated 2024-02-20.

Conditions:
Ataxia-telangiectasia syndrome (AT). Also called: ATAXIA-TELANGIECTASIA, COMPLEMENTATION GROUP A; ATAXIA-TELANGIECTASIA, FRESNO VARIANT; Ataxia-telangiectasia; Ataxia-telangiectasia, complementation group D; AT, COMPLEMENTATION GROUP C; Ataxia-telangiectasia, complementation group E. Identifiers: Orphanet 100, MedGen C0004135, MONDO:0008840, OMIM 208900.

Submissions (2):

Labcorp Genetics (formerly Invitae), Labcorp
Classification: Likely benign for Ataxia-telangiectasia syndrome. Last evaluated: 2024-02-20. Review status: criteria provided, single submitter. Criteria: Invitae Variant Classification Sherloc (09022015). Collection method: clinical testing. Allele origin: germline.

GeneDx
Classification: Likely benign. Last evaluated: 2017-08-23. Review status: criteria provided, single submitter. Criteria: GeneDx Variant Classification (06012015). Collection method: clinical testing. Allele origin: germline. Affected: yes.
Comment: This variant is considered likely benign or benign based on one or more of the following criteria: it is a conservative change, it occurs at a poorly conserved position in the protein, it is predicted to be benign by multiple in silico algorithms, and/or has population frequency not consistent with disease.